The following is an entry in ClinVar:

ClinVar aggregate classification (germline): Benign. Review status: criteria provided, multiple submitters, no conflicts (2 of 4 stars). 2 submissions from 2 submitters: Benign (2). Last evaluated 2018-01-13.

Conditions:
Spermatogenic failure 6 (SPGF6). Also called: ROUND-HEADED SPERMATOZOA; ACROSOME MALFORMATION OF SPERMATOZOA. Identifiers: Orphanet 171709, MedGen C4225503, MONDO:0007060, OMIM 102530.

Allele frequency attached by ClinVar (database versions not stated): 1000 Genomes Project 30x 0.01655; 1000 Genomes Project 0.01677; ESP Exome Variant Server 0.02114; gnomAD 0.02122 and 0.02164; TOPMed 0.02198; ExAC 0.02637; gnomAD exomes 0.02900 and 0.02993.
gnomAD v4.1: 46,825 of 1,613,684 alleles (2.9%); highest among the groups gnomAD compares: Admixed American, 5.1%; 793 homozygotes.

Submissions (2):

Illumina Laboratory Services, Illumina
Classification: Benign for Spermatogenic failure 6. Last evaluated: 2018-01-13. Review status: criteria provided, single submitter. Criteria: ICSL Variant Classification Criteria 13 December 2019. Collection method: clinical testing. Allele origin: germline.
Comment: This variant was observed in the ICSL laboratory as part of a predisposition screen in an ostensibly healthy population. It had not been previously curated by ICSL or reported in the Human Gene Mutation Database (HGMD: prior to June 1st, 2018), and was therefore a candidate for classification through an automated scoring system. Utilizing variant allele frequency, disease prevalence and penetrance estimates, and inheritance mode, an automated score was calculated to assess if this variant is too frequent to cause the disease. Based on the score and internal cut-off values, a variant classified as benign is not then subjected to further curation. The score for this variant resulted in a classification of benign for this disease.

Breakthrough Genomics
Classification: Benign. Review status: criteria provided, single submitter. Criteria: ACMG Guidelines, 2015. Collection method: not provided. Allele origin: germline. Inheritance: Autosomal recessive inheritance. Affected: yes.

NM_031955.6(SPATA16):c.130T>A (p.Ser44Thr)

Gene: SPATA16 (spermatogenesis associated 16; minus strand). Cytogenetic location: 3q26.31.
Variant type: single nucleotide variant.
Coding change: c.130T>A on transcript NM_031955.6 (MANE Select); coding-DNA position 130, T replaced by A.
Protein change: p.Ser44Thr; replaces serine 44 with threonine.
Molecular consequence: missense variant.
Genome position (GRCh38, 1-based): chr3:173,117,602, A>T on the plus strand (T>A on the coding strand, the complement: SPATA16 is on the minus strand). VCF-style: chr3-173117602-A-T. GRCh37 (hg19) VCF-style: chr3-172835392-A-T.
Other names: short protein forms S44T.
Identifiers: ClinVar variation 344225 (VCV000344225.6), dbSNP rs146572379, ClinGen allele CA2708401.
Genomic context (GRCh38, chr3:173,117,602, plus strand): 5'-TTGTTCTTTCAAGTGTGATTTCTACCTGTTTACCTCCACAGTTTTTCTTAATCTCTTGTG[A>T]CATTTCCAGGATGTTAGGTGGGTGCGCTAAGGTGGACATTTTCTTGCTTGTGTTTATCTT-3'
Protein context (NP_114161.3, residues 34-54): LAHPPNILEM[Ser44Thr]QEIKKNCGGK